The following is an entry in ClinVar:

NM_001365693.1(MGAM):c.1171G>A (p.Asp391Asn)

Gene: MGAM (maltase-glucoamylase; plus strand). Cytogenetic location: 7q34.
Variant type: single nucleotide variant.
Coding change: c.1171G>A on transcript NM_001365693.1 (MANE Select); coding-DNA position 1171, G replaced by A.
Protein change: p.Asp391Asn; replaces aspartic acid 391 with asparagine.
Molecular consequence: missense variant.
Genome position (GRCh38, 1-based): chr7:142,027,685, G>A. VCF-style: chr7-142027685-G-A. GRCh37 (hg19) VCF-style: chr7-141727485-G-A.
Other names: c.1171G>A, p.Asp391Asn (NM_004668.3); short protein forms D391N.
Identifiers: ClinVar variation 3038431 (VCV003038431.16), dbSNP rs184092742, ClinGen allele CA4520687.

ClinVar aggregate classification (germline): Likely benign. Review status: criteria provided, single submitter (1 of 4 stars). 2 submissions from 2 submitters: Likely benign (1). 1 of the submissions does not count toward it. Last evaluated 2024-09-01.

Conditions:
MGAM-related disorder. Also called: MGAM-related condition.

Allele frequency attached by ClinVar (database versions not stated): 1000 Genomes Project 30x 0.00297; 1000 Genomes Project 0.00300; ExAC 0.00355; gnomAD 0.00376; TOPMed 0.00408; ESP Exome Variant Server 0.00410; gnomAD exomes 0.00522.
gnomAD v4.1: 8,200 of 1,613,500 alleles (0.51%); highest among the groups gnomAD compares: Admixed American, 0.65%; 35 homozygotes.

Submissions (2):

CeGaT Center for Human Genetics Tuebingen
Classification: Likely benign. Last evaluated: 2024-09-01. Review status: criteria provided, single submitter. Criteria: CeGaT Center For Human Genetics Tuebingen Variant Classification Criteria Version 2. Collection method: clinical testing. Allele origin: germline. Affected: yes. Observed: 1 variant allele.
Comment: MGAM: BS2

PreventionGenetics, part of Exact Sciences
Classification: Likely benign for MGAM-related condition. Last evaluated: 2023-08-11. Review status: no assertion criteria provided. Collection method: clinical testing. Allele origin: germline. Not counted in ClinVar's aggregate classification.
Comment: This variant is classified as likely benign based on ACMG/AMP sequence variant interpretation guidelines (Richards et al. 2015 PMID: 25741868, with internal and published modifications).